The following is an entry in ClinVar:

NM_000038.6(APC):c.7289A>C (p.Asp2430Ala)

Gene: APC (APC regulator of Wnt signaling pathway; plus strand). Cytogenetic location: 5q22.2.
Variant type: single nucleotide variant.
Coding change: c.7289A>C on transcript NM_000038.6 (MANE Select); coding-DNA position 7289, A replaced by C.
Protein change: p.Asp2430Ala; replaces aspartic acid 2430 with alanine.
Molecular consequence: missense variant.
Genome position (GRCh38, 1-based): chr5:112,842,883, A>C. VCF-style: chr5-112842883-A-C. GRCh37 (hg19) VCF-style: chr5-112178580-A-C.
Other names: c.7289A>C, p.Asp2430Ala (NM_001127510.3, NM_001354895.2); c.7235A>C, p.Asp2412Ala (NM_001127511.3); c.7343A>C, p.Asp2448Ala (NM_001354896.2); c.7319A>C, p.Asp2440Ala (NM_001354897.2); c.7214A>C, p.Asp2405Ala (NM_001354898.2); c.7205A>C, p.Asp2402Ala (NM_001354899.2); c.7166A>C, p.Asp2389Ala (NM_001354900.2); c.7112A>C, p.Asp2371Ala (NM_001354901.2); and 5 more; short protein forms D2412A, D2430A, D2147A, D2329A, D2339A, D2402A, D2440A, D2270A.
Identifiers: ClinVar variation 505501 (VCV000505501.11), dbSNP rs1554088226, ClinGen allele CA16037204.

ClinVar aggregate classification (germline): Uncertain significance. Review status: criteria provided, multiple submitters, no conflicts (2 of 4 stars). 2 submissions from 2 submitters: Uncertain significance (2). Last evaluated 2021-06-18.

Conditions:
Familial adenomatous polyposis 1 (FAP1). Also called: POLYPOSIS, ADENOMATOUS INTESTINAL; FAMILIAL ADENOMATOUS POLYPOSIS 1, ATTENUATED. Identifiers: MedGen C2713442, MONDO:0021056, OMIM 175100. Disease mechanism: loss of function.

Submissions (2):

Labcorp Genetics (formerly Invitae), Labcorp
Classification: Uncertain significance for Familial adenomatous polyposis 1. Last evaluated: 2021-06-18. Review status: criteria provided, single submitter. Criteria: Invitae Variant Classification Sherloc (09022015). Collection method: clinical testing. Allele origin: germline.
Comment: In summary, the available evidence is currently insufficient to determine the role of this variant in disease. Therefore, it has been classified as a Variant of Uncertain Significance. Algorithms developed to predict the effect of missense changes on protein structure and function are either unavailable or do not agree on the potential impact of this missense change (SIFT: "Deleterious"; PolyPhen-2: "Probably Damaging"; Align-GVGD: "Class C0"). This variant has not been reported in the literature in individuals with APC-related conditions. ClinVar contains an entry for this variant (Variation ID: 505501). This variant is not present in population databases (ExAC no frequency). This sequence change replaces aspartic acid with alanine at codon 2430 of the APC protein (p.Asp2430Ala). The aspartic acid residue is highly conserved and there is a moderate physicochemical difference between aspartic acid and alanine.

Laboratory for Molecular Medicine, Mass General Brigham Personalized Medicine
Classification: Uncertain significance. Last evaluated: 2016-12-28. Review status: criteria provided, single submitter. Criteria: LMM Criteria. Collection method: clinical testing. Allele origin: germline. Observed: 1 variant allele.
Comment: The p.Asp2430Ala variant in APC has not been previously reported in individuals with APC-associated polyposis or in large population studies. Computational pred iction tools and conservation analysis suggest that the p.Asp2430Ala variant may impact the protein, though this information is not predictive enough to determi ne pathogenicity. In summary, the clinical significance of the p.Asp2430Ala vari ant is uncertain.